The following is an entry in ClinVar:

ClinVar aggregate classification (germline): Likely benign (0 of 4 stars; one submission).

Conditions:
ST3GAL3-related disorder. Also called: ST3GAL3-related condition; ST3GAL3-Related Disorders.

Allele frequency attached by ClinVar (database versions not stated): gnomAD 0.00001; ExAC 0.00004; gnomAD exomes 0.00005; TOPMed 0.00006; ESP Exome Variant Server 0.00016.
gnomAD v4.1: 29 of 745,766 alleles (0.0039%); highest among the groups gnomAD compares: Admixed American, 0.022%; no homozygotes.

Submission:

PreventionGenetics, part of Exact Sciences
Classification: Likely benign for ST3GAL3-related condition. Last evaluated: 2019-06-19. Review status: no assertion criteria provided. Collection method: clinical testing. Allele origin: germline.
Comment: This variant is classified as likely benign based on ACMG/AMP sequence variant interpretation guidelines (Richards et al. 2015 PMID: 25741868, with internal and published modifications).

NM_006279.5(ST3GAL3):c.209+9966C>T

Gene: ST3GAL3 (ST3 beta-galactoside alpha-2,3-sialyltransferase 3; plus strand). Cytogenetic location: 1p34.1.
Variant type: single nucleotide variant.
Coding change: c.209+9966C>T on transcript NM_006279.5 (MANE Select); 9966 bases into the intron after coding-DNA position 209, C replaced by T.
Molecular consequence: intron variant.
Genome position (GRCh38, 1-based): chr1:43,824,899, C>T. VCF-style: chr1-43824899-C-T. GRCh37 (hg19) VCF-style: chr1-44290571-C-T.
Other names: c.416+7C>T (NM_174963.5); c.254+9966C>T (NM_001350619.2, NM_174964.4, NM_174965.4); c.206+9966C>T (NM_001270465.3, NM_001270463.3); c.371+7C>T (NM_174968.5, NM_001363573.2); c.-245+9966C>T (NM_001350621.2); c.209+9966C>T (NM_001350620.2, NM_001270459.2, NM_174966.4 and 2 more transcripts); c.323+7C>T (NM_174971.5); c.161+9966C>T (NM_001410781.1, NM_174969.4, NM_001270461.3 and 4 more transcripts).
Identifiers: ClinVar variation 3042660 (VCV003042660.2), dbSNP rs367926299, ClinGen allele CA814577.